The following is an entry in ClinVar:

NM_003931.3(WASF1):c.1385C>T (p.Ala462Val)

Gene: WASF1 (WASP family member 1; minus strand). Cytogenetic location: 6q21.
Variant type: single nucleotide variant.
Coding change: c.1385C>T on transcript NM_003931.3 (MANE Select); coding-DNA position 1385, C replaced by T.
Protein change: p.Ala462Val; replaces alanine 462 with valine.
Molecular consequence: missense variant.
Genome position (GRCh38, 1-based): chr6:110,101,725, G>A on the plus strand (C>T on the coding strand, the complement: WASF1 is on the minus strand). VCF-style: chr6-110101725-G-A. GRCh37 (hg19) VCF-style: chr6-110422928-G-A.
Other names: c.1385C>T, p.Ala462Val (NM_001024934.2, NM_001024935.2, NM_001024936.2); short protein forms A462V.
Identifiers: ClinVar variation 3051905 (VCV003051905.2), dbSNP rs138145693, ClinGen allele CA3956812.
Genomic context (GRCh38, chr6:110,101,725, plus strand): 5'-GAAGCAGGTATAACTTGTGATGGAGGAGATGGAGGCATTAATGGAACATGGGGACCTGGG[G>A]CAGTAGATGGAGTTGGATGTAGCCCAGAGGGAGGATGAGCAAGAGCTGTAACTGTGACAG-3'
Protein context (NP_003922.1, residues 452-472): PSGLHPTPST[Ala462Val]PGPHVPLMPP

ClinVar aggregate classification (germline): Likely benign (0 of 4 stars; one submission).

Conditions:
WASF1-related disorder. Also called: WASF1-related condition.

Allele frequency attached by ClinVar (database versions not stated): gnomAD exomes 0.00010; ExAC 0.00035; 1000 Genomes Project 0.00060; 1000 Genomes Project 30x 0.00062; ESP Exome Variant Server 0.00100; gnomAD 0.00117; TOPMed 0.00141.
gnomAD v4.1: 349 of 1,614,162 alleles (0.022%); highest among the groups gnomAD compares: African/African-American, 0.39%; no homozygotes.

Submission:

PreventionGenetics, part of Exact Sciences
Classification: Likely benign for WASF1-related condition. Last evaluated: 2021-09-02. Review status: no assertion criteria provided. Collection method: clinical testing. Allele origin: germline.
Comment: This variant is classified as likely benign based on ACMG/AMP sequence variant interpretation guidelines (Richards et al. 2015 PMID: 25741868, with internal and published modifications).